The following is an entry in ClinVar:

ClinVar aggregate classification (germline): Pathogenic/Likely pathogenic. Review status: criteria provided, multiple submitters, no conflicts (2 of 4 stars). 3 submissions from 3 submitters: Pathogenic (2); Likely pathogenic (1). Last evaluated 2026-01-24.

Conditions:
Duchenne muscular dystrophy (DMD). Also called: Duchenne Muscular Dystrophy (DMD); MUSCULAR DYSTROPHY, PSEUDOHYPERTROPHIC PROGRESSIVE, DUCHENNE TYPE. Identifiers: Orphanet 98896, MedGen C0013264, MONDO:0010679, OMIM 310200.
Becker muscular dystrophy, Cardiomyopathy, Duchenne muscular dystrophy, Dystrophin deficiency.

Submissions (3):

Natera, Inc.
Classification: Pathogenic for Becker muscular dystrophy, Cardiomyopathy, Duchenne muscular dystrophy, Dystrophin deficiency. Last evaluated: 2026-01-24. Review status: criteria provided, single submitter. Criteria: Natera Variant Classification Schema (03/2026). Collection method: clinical testing. Allele origin: germline.
Comment: The c.1602G>A variant in DMD is a synonymous variant that does not alter the encoded amino acid at position 534 (p.K534=). This variant is rare in the general population with a frequency below the threshold expected for the associated phenotype(s). This variant has been observed in affected individual(s) with monoallelic occurrence (heterozygous/hemizygous) (PMID: 40189224, 39192489, 38544359, 31706698, 31443951). Functional studies show that this variant may disrupt protein function (PMID: 36747048, 36076667, 31706698). Given the available evidence, this variant is classified as Pathogenic.

Labcorp Genetics (formerly Invitae), Labcorp
Classification: Pathogenic for Duchenne muscular dystrophy. Last evaluated: 2025-05-29. Review status: criteria provided, single submitter. Criteria: Invitae Variant Classification Sherloc (09022015). Collection method: clinical testing. Allele origin: germline.
Comment: This sequence change affects codon 534 of the DMD mRNA. It is a 'silent' change, meaning that it does not change the encoded amino acid sequence of the DMD protein. RNA analysis indicates that this variant induces altered splicing and likely results in a shortened protein product. This variant is not present in population databases (gnomAD no frequency). This variant has been observed in individual(s) with clinical features of DMD-related conditions (PMID: 31443951, 31706698; internal data). ClinVar contains an entry for this variant (Variation ID: 546214). Variants that disrupt the consensus splice site are a relatively common cause of aberrant splicing (PMID: 17576681, 9536098). Studies have shown that this variant results in skipping of exon 13, but is expected to preserve the integrity of the reading-frame (PMID: 31443951, 31706698). For these reasons, this variant has been classified as Pathogenic.

GeneDx
Classification: Likely pathogenic. Last evaluated: 2018-05-16. Review status: criteria provided, single submitter. Criteria: GeneDx Variant Classification (06012015). Collection method: clinical testing. Allele origin: germline. Affected: yes.
Comment: The c.1602 G>A variant has not been published as a pathogenic variant, nor has it been reported as a benign variant to our knowledge. A different nucleotide substitution at the same position (c.1602 G>T) has reported in an individual with Becker muscular dystrophy (Hagiwara et al., 1994). The c.1602 G>A nucleotide change results in a synonymous amino acid substitution denoted p.Lys534=. Multiple in silico algorithms predict c.1602 G>A destroys the natural splice donor site of intron 13 and leads to abnormal gene splicing. However, in the absence of RNA/functional studies the actual effect of c.1602 G>A on splicing in this individual is unknown. This variant is not observed in large population cohorts (Lek et al., 2016).

Literature cited by the submitters: PubMed 40189224 (cited by Natera, Inc.); PubMed 39192489 (cited by Natera, Inc.); PubMed 38544359 (cited by Natera, Inc.); PubMed 31706698 (cited by Natera, Inc. and Labcorp Genetics (formerly Invitae), Labcorp); PubMed 31443951 (cited by Natera, Inc. and Labcorp Genetics (formerly Invitae), Labcorp); PubMed 36747048 (cited by Natera, Inc.); PubMed 36076667 (cited by Natera, Inc.); PubMed 17576681 (cited by Labcorp Genetics (formerly Invitae), Labcorp); PubMed 9536098 (cited by Labcorp Genetics (formerly Invitae), Labcorp).

NM_004006.3(DMD):c.1602G>A (p.Lys534=)

Gene: DMD (dystrophin; minus strand). Cytogenetic location: Xp21.1.
Variant type: single nucleotide variant.
Coding change: c.1602G>A on transcript NM_004006.3 (MANE Select); coding-DNA position 1602, G replaced by A.
Protein change: p.Lys534=; no amino-acid change (lysine 534 retained).
Molecular consequence: synonymous variant.
Genome position (GRCh38, 1-based): chrX:32,595,757, C>T on the plus strand (G>A on the coding strand, the complement: DMD is on the minus strand). VCF-style: chrX-32595757-C-T. GRCh37 (hg19) VCF-style: chrX-32613874-C-T.
Other names: c.1578G>A, p.Lys526= (NM_000109.4); c.1590G>A, p.Lys530= (NM_004009.3); c.1233G>A, p.Lys411= (NM_004010.3).
Identifiers: ClinVar variation 546214 (VCV000546214.13), dbSNP rs1556834513, ClinGen allele CA515864146.